The following is an entry in ClinVar:

ClinVar aggregate classification (germline): Likely benign (1 of 4 stars; one submission).

Allele frequency attached by ClinVar (database versions not stated): 1000 Genomes Project 0.00160; 1000 Genomes Project 30x 0.00219; TOPMed 0.00371; gnomAD 0.00385.
gnomAD v4.1: 585 of 152,298 alleles (0.38%); highest among the groups gnomAD compares: Non-Finnish European, 0.65%; 5 homozygotes.

Submission:

CeGaT Center for Human Genetics Tuebingen
Classification: Likely benign. Last evaluated: 2026-08-01. Review status: criteria provided, single submitter. Criteria: CeGaT Center For Human Genetics Tuebingen Variant Classification Criteria Version 2. Collection method: clinical testing. Allele origin: germline. Affected: yes. Observed: 11 variant alleles.
Comment: TRIM2: BS2

NM_015271.5(TRIM2):c.454-2111C>T

Gene: TRIM2 (tripartite motif containing 2; plus strand). Cytogenetic location: 4q31.3.
Variant type: single nucleotide variant.
Coding change: c.454-2111C>T on transcript NM_015271.5 (MANE Select); 2111 bases into the intron before coding-DNA position 454, C replaced by T.
Molecular consequence: intron variant. On other transcripts: missense variant (2).
Genome position (GRCh38, 1-based): chr4:153,290,871, C>T. VCF-style: chr4-153290871-C-T. GRCh37 (hg19) VCF-style: chr4-154212023-C-T.
Other names: c.511C>T, p.Leu171Phe (NM_001375488.1); c.508C>T, p.Leu170Phe (NM_001375489.1); c.373-2111C>T (NM_001375517.1, NM_001375514.1, NM_001351056.2 and 5 more transcripts); c.115-2111C>T (NM_001375525.1, NM_001375523.1, NM_001375522.1); c.-3-2111C>T (NM_001351057.2); c.454-2111C>T (NM_001375490.1); c.454-4442C>T (NM_001375519.1); c.451-2111C>T (NM_001375491.1); and 3 more; short protein forms L170F, L171F.
Identifiers: ClinVar variation 2655134 (VCV002655134.24), dbSNP rs186617513, ClinGen allele CA107912816.